The following is an entry in ClinVar:

ClinVar aggregate classification (germline): Benign. Review status: criteria provided, multiple submitters, no conflicts (2 of 4 stars). 7 submissions from 7 submitters: Benign (7). Last evaluated 2026-02-02.

Conditions:
Combined immunodeficiency due to DOCK8 deficiency (HIES2). Also called: HIES autosomal recessive; Hyper-IgE recurrent infection syndrome, autosomal recessive; HYPER-IgE RECURRENT INFECTION SYNDROME 2, AUTOSOMAL RECESSIVE; HYPER-IgE SYNDROME 2, AUTOSOMAL RECESSIVE, WITH RECURRENT INFECTIONS; DOCK8 Deficiency. Identifiers: Orphanet 217390, MedGen C4722305, MONDO:0009478, OMIM 243700.

Allele frequency attached by ClinVar (database versions not stated): ESP Exome Variant Server 0.03375; 1000 Genomes Project 0.03574; 1000 Genomes Project 30x 0.03592; gnomAD exomes 0.01224 and 0.01457; ExAC 0.01595; gnomAD 0.03081 and 0.03237; TOPMed 0.03304.
gnomAD v4.1: 22,668 of 1,613,360 alleles (1.4%); highest among the groups gnomAD compares: African/African-American, 8.1%; 361 homozygotes.

Submissions (20):

Labcorp Genetics (formerly Invitae), Labcorp
Classification: Benign for Combined immunodeficiency due to DOCK8 deficiency. Last evaluated: 2026-02-02. Review status: criteria provided, single submitter. Criteria: Invitae Variant Classification Sherloc (09022015). Collection method: clinical testing. Allele origin: germline.

Women's Health and Genetics/Laboratory Corporation of America, LabCorp
Classification: Benign. Last evaluated: 2026-01-21. Review status: criteria provided, single submitter. Criteria: LabCorp Variant Classification Summary - May 2015. Collection method: clinical testing. Allele origin: germline.

Mayo Clinic Laboratories, Mayo Clinic
Classification: Benign. Last evaluated: 2020-03-23. Review status: criteria provided, single submitter. Criteria: ACMG Guidelines, 2015. Collection method: clinical testing. Allele origin: germline. Observed: 29 variant alleles.

Illumina Laboratory Services, Illumina
Classification: Benign for Combined immunodeficiency due to DOCK8 deficiency. Last evaluated: 2018-01-12. Review status: criteria provided, single submitter. Criteria: ICSL Variant Classification Criteria 13 December 2019. Collection method: clinical testing. Allele origin: germline.
Comment: This variant was observed in the ICSL laboratory as part of a predisposition screen in an ostensibly healthy population. It had not been previously curated by ICSL or reported in the Human Gene Mutation Database (HGMD: prior to June 1st, 2018), and was therefore a candidate for classification through an automated scoring system. Utilizing variant allele frequency, disease prevalence and penetrance estimates, and inheritance mode, an automated score was calculated to assess if this variant is too frequent to cause the disease. Based on the score and internal cut-off values, a variant classified as benign is not then subjected to further curation. The score for this variant resulted in a classification of benign for this disease.

GeneDx
Classification: Benign. Last evaluated: 2014-03-20. Review status: criteria provided, single submitter. Criteria: GeneDx Variant Classification (06012015). Collection method: clinical testing. Allele origin: germline. Affected: yes.
Comment: This variant is considered likely benign or benign based on one or more of the following criteria: it is a conservative change, it occurs at a poorly conserved position in the protein, it is predicted to be benign by multiple in silico algorithms, and/or has population frequency not consistent with disease.

Laboratory for Molecular Medicine, Mass General Brigham Personalized Medicine
Classification: Benign. Last evaluated: 2013-02-21. Review status: criteria provided, single submitter. Criteria: LMM Criteria. Collection method: clinical testing. Allele origin: germline. Observed: 3 variant alleles.
Comment: Ser765Ser in exon 20 of DOCK8: This variant is not expected to have clinical sig nificance because it does not alter an amino acid residue and is not located wit hin the splice consensus sequence. It has been identified in 7.6% (335/4406) of African American chromosomes from a broad population by the NHLBI Exome Sequenci ng Project (dbSNP rs12348944).

Breakthrough Genomics
Classification: Benign. Review status: criteria provided, single submitter. Criteria: ACMG Guidelines, 2015. Collection method: not provided. Allele origin: germline. Inheritance: Autosomal recessive inheritance. Affected: yes.

Dr. Peter K. Rogan Lab, Western University
No classification provided (evidence only). Condition: Lung cancer. Review status: no classification provided. Collection method: in vitro. Allele origin: not applicable. Functional consequence: retained intron. Not counted in ClinVar's aggregate classification.

Dr. Peter K. Rogan Lab, Western University
No classification provided (evidence only). Condition: Acute myeloid leukemia. Review status: no classification provided. Collection method: in vitro. Allele origin: not applicable. Functional consequence: retained intron. Not counted in ClinVar's aggregate classification.

Dr. Peter K. Rogan Lab, Western University
No classification provided (evidence only). Condition: Colon adenocarcinoma. Review status: no classification provided. Collection method: in vitro. Allele origin: not applicable. Functional consequence: retained intron. Not counted in ClinVar's aggregate classification.

Dr. Peter K. Rogan Lab, Western University
No classification provided (evidence only). Condition: Colon adenocarcinoma. Review status: no classification provided. Collection method: in vitro. Allele origin: not applicable. Functional consequence: retained intron. Not counted in ClinVar's aggregate classification.

Dr. Peter K. Rogan Lab, Western University
No classification provided (evidence only). Condition: Uterine corpus endometrial carcinoma. Review status: no classification provided. Collection method: in vitro. Allele origin: not applicable. Functional consequence: retained intron. Not counted in ClinVar's aggregate classification.

Dr. Peter K. Rogan Lab, Western University
No classification provided (evidence only). Condition: Uterine corpus endometrial carcinoma. Review status: no classification provided. Collection method: in vitro. Allele origin: not applicable. Functional consequence: retained intron. Not counted in ClinVar's aggregate classification.

Dr. Peter K. Rogan Lab, Western University
No classification provided (evidence only). Condition: Cervical cancer. Review status: no classification provided. Collection method: in vitro. Allele origin: not applicable. Functional consequence: retained intron. Not counted in ClinVar's aggregate classification.

Dr. Peter K. Rogan Lab, Western University
No classification provided (evidence only). Condition: Sarcoma. Review status: no classification provided. Collection method: in vitro. Allele origin: not applicable. Functional consequence: retained intron. Not counted in ClinVar's aggregate classification.

Dr. Peter K. Rogan Lab, Western University
No classification provided (evidence only). Condition: Sarcoma. Review status: no classification provided. Collection method: in vitro. Allele origin: not applicable. Functional consequence: retained intron. Not counted in ClinVar's aggregate classification.

Dr. Peter K. Rogan Lab, Western University
No classification provided (evidence only). Condition: Hepatocellular carcinoma. Review status: no classification provided. Collection method: in vitro. Allele origin: not applicable. Functional consequence: retained intron. Not counted in ClinVar's aggregate classification.

Dr. Peter K. Rogan Lab, Western University
No classification provided (evidence only). Condition: Nonpapillary renal cell carcinoma. Review status: no classification provided. Collection method: in vitro. Allele origin: not applicable. Functional consequence: retained intron. Not counted in ClinVar's aggregate classification.

Dr. Peter K. Rogan Lab, Western University
No classification provided (evidence only). Condition: Ovarian serous cystadenocarcinoma. Review status: no classification provided. Collection method: in vitro. Allele origin: not applicable. Functional consequence: retained intron. Not counted in ClinVar's aggregate classification.

Dr. Peter K. Rogan Lab, Western University
No classification provided (evidence only). Condition: Gastric cancer. Review status: no classification provided. Collection method: in vitro. Allele origin: not applicable. Functional consequence: retained intron. Not counted in ClinVar's aggregate classification.

NM_203447.4(DOCK8):c.2295C>T (p.Ser765=)

Gene: DOCK8 (dedicator of cytokinesis 8; plus strand). Cytogenetic location: 9p24.3.
Variant type: single nucleotide variant.
Coding change: c.2295C>T on transcript NM_203447.4 (MANE Select); coding-DNA position 2295, C replaced by T.
Protein change: p.Ser765=; no amino-acid change (serine 765 retained).
Molecular consequence: synonymous variant.
Genome position (GRCh38, 1-based): chr9:377,066, C>T. VCF-style: chr9-377066-C-T. GRCh37 (hg19) VCF-style: chr9-377066-C-T.
Other names: p.S697S:AGC>AGT; p.Ser765=; c.2091C>T, p.Ser697= (NM_001190458.2, NM_001193536.2).
Identifiers: ClinVar variation 137138 (VCV000137138.21), dbSNP rs12348944, ClinGen allele CA290664.